The following is an entry in ClinVar:

ClinVar aggregate classification (germline): Uncertain significance (1 of 4 stars; one submission).

Submission:

Labcorp Genetics (formerly Invitae), Labcorp
Classification: Uncertain significance. Last evaluated: 2024-01-15. Review status: criteria provided, single submitter. Criteria: Invitae Variant Classification Sherloc (09022015). Collection method: clinical testing. Allele origin: germline.
Comment: This sequence change creates a premature translational stop signal (p.Gln702*) in the SNRNP200 gene. It is expected to result in an absent or disrupted protein product. However, the current clinical and genetic evidence is not sufficient to establish whether loss-of-function variants in SNRNP200 cause disease. This variant is not present in population databases (gnomAD no frequency). This variant has not been reported in the literature in individuals affected with SNRNP200-related conditions. ClinVar contains an entry for this variant (Variation ID: 1027126). Algorithms developed to predict the effect of sequence changes on RNA splicing suggest that this variant may disrupt the consensus splice site. In summary, the available evidence is currently insufficient to determine the role of this variant in disease. Therefore, it has been classified as a Variant of Uncertain Significance.

NM_014014.5(SNRNP200):c.2104C>T (p.Gln702Ter)

Gene: SNRNP200 (small nuclear ribonucleoprotein U5 subunit 200; minus strand). Cytogenetic location: 2q11.2.
Variant type: single nucleotide variant.
Coding change: c.2104C>T on transcript NM_014014.5 (MANE Select); coding-DNA position 2104, C replaced by T.
Protein change: p.Gln702Ter; replaces glutamine 702 with a stop codon.
Molecular consequence: nonsense.
Genome position (GRCh38, 1-based): chr2:96,293,028, G>A on the plus strand (C>T on the coding strand, the complement: SNRNP200 is on the minus strand). VCF-style: chr2-96293028-G-A. GRCh37 (hg19) VCF-style: chr2-96958766-G-A.
Other names: short protein forms Q702*.
Identifiers: ClinVar variation 1027126 (VCV001027126.6), dbSNP rs2063893534, ClinGen allele CA347679289.